The following is an entry in ClinVar:

ClinVar aggregate classification (germline): Uncertain significance (1 of 4 stars; one submission).

Conditions:
Hereditary cancer-predisposing syndrome. Also called: Neoplastic Syndromes, Hereditary; Tumor predisposition; Hereditary Cancer Syndrome; Hereditary neoplastic syndrome. Identifiers: Orphanet 140162, MedGen C0027672, MeSH D009386, MONDO:0015356.

Submission:

Ambry Genetics
Classification: Uncertain significance for Hereditary cancer-predisposing syndrome. Last evaluated: 2025-12-11. Review status: criteria provided, single submitter. Criteria: Ambry Variant Classification Scheme 2023. Collection method: clinical testing. Allele origin: germline.
Comment: The p.K2548Q variant (also known as c.7642A>C), located in coding exon 15 of the APC gene, results from an A to C substitution at nucleotide position 7642. The lysine at codon 2548 is replaced by glutamine, an amino acid with similar properties. This amino acid position is conserved. In addition, in silico predictors for this gene do not accurately predict pathogenicity. Based on the available evidence, the clinical significance of this variant remains unclear.

NM_000038.6(APC):c.7642A>C (p.Lys2548Gln)

Gene: APC (APC regulator of Wnt signaling pathway; plus strand). Cytogenetic location: 5q22.2.
Variant type: single nucleotide variant.
Coding change: c.7642A>C on transcript NM_000038.6 (MANE Select); coding-DNA position 7642, A replaced by C.
Protein change: p.Lys2548Gln; replaces lysine 2548 with glutamine.
Molecular consequence: missense variant. On other transcripts: non-coding transcript variant (2).
Genome position (GRCh38, 1-based): chr5:112,843,236, A>C. VCF-style: chr5-112843236-A-C. GRCh37 (hg19) VCF-style: chr5-112178933-A-C.
Other names: c.6793A>C, p.Lys2265Gln (NM_001407470.1, NM_001354906.2); c.6490A>C, p.Lys2164Gln (NM_001407471.1, NM_001407472.1); c.7642A>C, p.Lys2548Gln (NM_001127510.3, NM_001354895.2, NM_001407450.1); c.7588A>C, p.Lys2530Gln (NM_001127511.3); c.7696A>C, p.Lys2566Gln (NM_001354896.2, NM_001407447.1, NM_001407448.1 and 1 more transcripts); c.7672A>C, p.Lys2558Gln (NM_001354897.2); c.7567A>C, p.Lys2523Gln (NM_001354898.2); c.7558A>C, p.Lys2520Gln (NM_001354899.2); and 11 more; short protein forms K2447Q, K2457Q, K2507Q, K2523Q, K2530Q, K2164Q, K2265Q, K2465Q.
Identifiers: ClinVar variation 4596165 (VCV004596165.1).